The following is an entry in ClinVar:

NM_004168.4(SDHA):c.1658_1661del (p.Asp553fs)

Gene: SDHA (succinate dehydrogenase complex flavoprotein subunit A; plus strand). Cytogenetic location: 5p15.33.
Variant type: Deletion.
Coding change: c.1658_1661del on transcript NM_004168.4 (MANE Select); coding-DNA positions 1658 to 1661, 4 bases deleted (ACCG; older notation c.1658_1661delACCG).
Protein change: p.Asp553fs; shifts the reading frame from aspartic acid 553.
Molecular consequence: frameshift variant. On other transcripts: intron variant (1).
Genome position (GRCh38, 1-based): chr5:251,098-251,101, ACCG deleted; deleting any 4 consecutive bases within chr5:251,096-251,101 gives the same sequence; the c. name uses the placement nearest the transcript's 3' end. VCF-style (leftmost placement, unchanged base first): chr5-251095-TCGAC-T. GRCh37 (hg19) VCF-style: chr5-251210-TCGAC-T.
Other names: c.1514_1517del, p.Asp505fs (NM_001294332.2); c.1552-3295_1552-3292del (NM_001330758.2); short protein forms D553fs, D505fs.
Identifiers: ClinVar variation 1458523 (VCV001458523.11), dbSNP rs2126632404, ClinGen allele CA2573139509.

ClinVar aggregate classification (germline): Pathogenic (1 of 4 stars; one submission).

Conditions:
Mitochondrial complex II deficiency, nuclear type 1. Also called: SUCCINATE CoQ REDUCTASE DEFICIENCY. Identifiers: Orphanet 3208, MedGen C5700310, MONDO:0100294, OMIM 252011.
Pheochromocytoma/paraganglioma syndrome 5. Also called: Paragangliomas 5; SDHA-Related Hereditary Paraganglioma-Pheochromocytoma Syndrome. Identifiers: Orphanet 29072, MedGen C3279992, MONDO:0013602, OMIM 614165.

Submission:

Labcorp Genetics (formerly Invitae), Labcorp
Classification: Pathogenic for Pheochromocytoma/paraganglioma syndrome 5; Mitochondrial complex II deficiency, nuclear type 1. Last evaluated: 2023-07-07. Review status: criteria provided, single submitter. Criteria: Invitae Variant Classification Sherloc (09022015). Collection method: clinical testing. Allele origin: germline.
Comment: This premature translational stop signal has been observed in individual(s) with clinical features of hereditary paraganglioma-pheochromocytoma syndrome (PMID: 30877234). This sequence change creates a premature translational stop signal (p.Asp553Glyfs*18) in the SDHA gene. It is expected to result in an absent or disrupted protein product. Loss-of-function variants in SDHA are known to be pathogenic (PMID: 22974104, 24781757). This variant is not present in population databases (gnomAD no frequency). ClinVar contains an entry for this variant (Variation ID: 1458523). For these reasons, this variant has been classified as Pathogenic.

Literature cited by the submitters: PubMed 30877234; PubMed 22974104; PubMed 24781757.